The following is an entry in ClinVar:

ClinVar aggregate classification (germline): Conflicting classifications of pathogenicity. Review status: criteria provided, conflicting classifications (1 of 4 stars). 6 submissions from 6 submitters: Uncertain significance (5); Likely benign (1). Last evaluated 2025-05-03.

Conditions:
Hereditary cancer-predisposing syndrome. Also called: Neoplastic Syndromes, Hereditary; Tumor predisposition; Hereditary Cancer Syndrome; Hereditary neoplastic syndrome. Identifiers: Orphanet 140162, MedGen C0027672, MeSH D009386, MONDO:0015356.
Hereditary breast ovarian cancer syndrome. Also called: BRCA1- and BRCA2-Associated Hereditary Breast and Ovarian Cancer; Hereditary breast and ovarian cancer syndrome; Hereditary breast and ovarian cancer; Hereditary breast and ovarian cancer syndrome (HBOC); Breast and ovarian cancer; Hereditary breast and/or ovarian cancer syndrome. Identifiers: Orphanet 145, MedGen C0677776, MeSH D061325, MONDO:0003582. Disease mechanism: loss of function.

gnomAD v4.1: 1 of 1,613,758 alleles (0.000062%); highest among the groups gnomAD compares: East Asian, 0.0022%; no homozygotes.

Submissions (6):

Ambry Genetics
Classification: Uncertain significance for Hereditary cancer-predisposing syndrome. Last evaluated: 2025-05-03. Review status: criteria provided, single submitter. Criteria: Ambry Variant Classification Scheme 2023. Collection method: clinical testing. Allele origin: germline.
Comment: The p.S1056F variant (also known as c.3167C>T), located in coding exon 9 of the BRCA1 gene, results from a C to T substitution at nucleotide position 3167. The serine at codon 1056 is replaced by phenylalanine, an amino acid with highly dissimilar properties. This amino acid position is highly conserved in available vertebrate species. In addition, the in silico prediction for this alteration is inconclusive. Since supporting evidence is limited at this time, the clinical significance of this alteration remains unclear.

Labcorp Genetics (formerly Invitae), Labcorp
Classification: Uncertain significance for Hereditary breast ovarian cancer syndrome. Last evaluated: 2023-08-28. Review status: criteria provided, single submitter. Criteria: Invitae Variant Classification Sherloc (09022015). Collection method: clinical testing. Allele origin: germline.
Comment: This variant has not been reported in the literature in individuals affected with BRCA1-related conditions. This variant is not present in population databases (gnomAD no frequency). This sequence change replaces serine, which is neutral and polar, with phenylalanine, which is neutral and non-polar, at codon 1056 of the BRCA1 protein (p.Ser1056Phe). ClinVar contains an entry for this variant (Variation ID: 231051). In summary, the available evidence is currently insufficient to determine the role of this variant in disease. Therefore, it has been classified as a Variant of Uncertain Significance. Advanced modeling of protein sequence and biophysical properties (such as structural, functional, and spatial information, amino acid conservation, physicochemical variation, residue mobility, and thermodynamic stability) performed at Invitae indicates that this missense variant is not expected to disrupt BRCA1 protein function.

University of Washington Department of Laboratory Medicine, University of Washington
Classification: Likely benign for Hereditary cancer-predisposing syndrome. Last evaluated: 2023-03-23. Review status: criteria provided, single submitter. Criteria: Dines et al. (Genet Med. 2020). Collection method: curation. Allele origin: germline.
Comment: Missense variant in a coldspot region where missense variants are very unlikely to be pathogenic (PMID:31911673).

BRCA1 coldspot (exon 11 using historical exon numbering). Reclassification based on statistical prior probability

GeneDx
Classification: Uncertain significance. Last evaluated: 2022-07-13. Review status: criteria provided, single submitter. Criteria: GeneDx Variant Classification Process June 2021. Collection method: clinical testing. Allele origin: germline. Affected: yes.
Comment: Not observed at significant frequency in large population cohorts (gnomAD); In silico analysis supports that this missense variant has a deleterious effect on protein structure/function; Has not been previously published as pathogenic or benign to our knowledge; Also known as 3286C>T; This variant is associated with the following publications: (PMID: 15343273)

Genetic Services Laboratory, University of Chicago
Classification: Uncertain significance. Last evaluated: 2019-02-08. Review status: criteria provided, single submitter. Criteria: ACMG Guidelines, 2015. Collection method: clinical testing. Allele origin: germline. Affected: no.

Women's Health and Genetics/Laboratory Corporation of America, LabCorp
Classification: Uncertain significance. Last evaluated: 2018-09-17. Review status: criteria provided, single submitter. Criteria: LabCorp Variant Classification Summary - May 2015. Collection method: clinical testing. Allele origin: germline.
Comment: Variant summary: BRCA1 c.3167C>T (p.Ser1056Phe) results in a non-conservative amino acid change in the encoded protein sequence. Five of five in-silico tools predict a damaging effect of the variant on protein function. The variant was absent in 245540 control chromosomes. The available data on variant occurrences in the general population are insufficient to allow any conclusion about variant significance. c.3167C>T has not been reported in the literature in individuals affected with Hereditary Breast and Ovarian Cancer. To our knowledge, no experimental evidence demonstrating an impact on protein function has been reported. One clinical diagnostic laboratory has submitted clinical-significance assessments for this variant to ClinVar after 2014 without evidence for independent evaluation and classified the variant as uncertain significance. Based on the evidence outlined above, the variant was classified as uncertain significance.

NM_007294.4(BRCA1):c.3167C>T (p.Ser1056Phe)

Gene: BRCA1 (BRCA1 DNA repair associated; minus strand). Cytogenetic location: 17q21.31.
Variant type: single nucleotide variant.
Coding change: c.3167C>T on transcript NM_007294.4 (MANE Select); coding-DNA position 3167, C replaced by T.
Protein change: p.Ser1056Phe; replaces serine 1056 with phenylalanine.
Molecular consequence: missense variant. On other transcripts: intron variant (137).
Genome position (GRCh38, 1-based): chr17:43,092,364, G>A on the plus strand (C>T on the coding strand, the complement: BRCA1 is on the minus strand). VCF-style: chr17-43092364-G-A. GRCh37 (hg19) VCF-style: chr17-41244381-G-A.
Other names: c.3044C>T, p.Ser1015Phe (NM_001407674.1, NM_001407679.1, NM_001407675.1 and 19 more transcripts); c.788-1332C>T (NM_001407971.1, NM_001407980.1, NM_001407993.1 and 17 more transcripts); c.791-1341C>T (NM_001408406.1); c.647-1332C>T (NM_001408456.1, NM_001408458.1, NM_001408469.1 and 11 more transcripts); c.644-1332C>T (NM_001408465.1, NM_001408463.1, NM_001408470.1 and 3 more transcripts); c.524-1332C>T (NM_001408499.1, NM_001408498.1, NM_001408501.1 and 3 more transcripts); c.707-1332C>T (NM_001408416.1, NM_001408413.1); c.578-1332C>T (NM_001408482.1, NM_001408481.1, NM_001408480.1 and 9 more transcripts); and 41 more; short protein forms S1056F, S1009F, S1008F, S1015F, S1030F, S888F, S929F, S1014F.
Identifiers: ClinVar variation 231051 (VCV000231051.19), dbSNP rs587781588, ClinGen allele CA10580578.
Genomic context (GRCh38, chr17:43,092,364, plus strand): 5'-CTGTTTCTACCTAGTTCTGCTTGAATGTTTTCATCACTGGAACCTATTTCATTAATACTG[G>A]AGCCCACTTCATTAGTACTGGAACCTACTTCATTAATATTGCTTGAGCTGGCTTCTTTAA-3'
Protein context (NP_009225.1, residues 1046-1066): EVGSSTNEVG[Ser1056Phe]SINEIGSSDE